The following is an entry in ClinVar:

ClinVar aggregate classification (germline): Likely benign. Review status: criteria provided, multiple submitters, no conflicts (2 of 4 stars). 3 submissions from 2 submitters: Likely benign (3). Last evaluated 2021-11-30.

Conditions:
Susceptibility to mononeuropathy of the median nerve, mild. Also called: CARPAL TUNNEL SYNDROME, SUSCEPTIBILITY TO. Identifiers: MedGen C3150596, MONDO:0013237, OMIM 613353.
Charcot-Marie-Tooth disease type 4C (CMT4C). Also called: CHARCOT-MARIE-TOOTH DISEASE, DEMYELINATING, TYPE 4C; SH3TC2-Related Hereditary Motor and Sensory Neuropathy; Charcot-Marie-Tooth Neuropathy Type 4C (CMT4C); CHARCOT-MARIE-TOOTH DISEASE, DEMYELINATING, AUTOSOMAL RECESSIVE, TYPE 4C; CMT 4C. Identifiers: Orphanet 99949, MedGen C1866636, MONDO:0011113, OMIM 601596.

Allele frequency attached by ClinVar (database versions not stated): 1000 Genomes Project 0.00260; 1000 Genomes Project 30x 0.00297; gnomAD 0.00432 and 0.00464; TOPMed 0.00489.
gnomAD v4.1: 653 of 152,282 alleles (0.43%); highest among the groups gnomAD compares: African/African-American, 1.5%; 5 homozygotes.

Submissions (3):

GeneDx
Classification: Likely benign. Last evaluated: 2021-11-30. Review status: criteria provided, single submitter. Criteria: GeneDx Variant Classification Process June 2021. Collection method: clinical testing. Allele origin: germline. Affected: yes.
Comment: See Variant Classification Assertion Criteria.

Illumina Laboratory Services, Illumina
Classification: Likely benign for Susceptibility to mononeuropathy of the median nerve, mild. Last evaluated: 2018-01-13. Review status: criteria provided, single submitter. Criteria: ICSL Variant Classification Criteria 13 December 2019. Collection method: clinical testing. Allele origin: germline.
Comment: This variant was observed in the ICSL laboratory as part of a predisposition screen in an ostensibly healthy population. It had not been previously curated by ICSL or reported in the Human Gene Mutation Database (HGMD: prior to June 1st, 2018), and was therefore a candidate for classification through an automated scoring system. Utilizing variant allele frequency, disease prevalence and penetrance estimates, and inheritance mode, an automated score was calculated to assess if this variant is too frequent to cause the disease. Based on the score and internal cut-off values, a variant classified as likely benign is not then subjected to further curation. The score for this variant resulted in a classification of likely benign for this disease.

Illumina Laboratory Services, Illumina
Classification: Likely benign for Charcot-Marie-Tooth disease type 4C. Last evaluated: 2018-01-13. Review status: criteria provided, single submitter. Criteria: ICSL Variant Classification Criteria 13 December 2019. Collection method: clinical testing. Allele origin: germline.
Comment: the same text as in the submission from Illumina Laboratory Services, Illumina above.

NM_024577.4(SH3TC2):c.*6600T>C

Gene: SH3TC2 (SH3 domain and tetratricopeptide repeats 2; minus strand). Cytogenetic location: 5q32.
Variant type: single nucleotide variant.
Coding change: c.*6600T>C on transcript NM_024577.4 (MANE Select); 6600 bases downstream of the stop codon, T replaced by C.
Molecular consequence: 3 prime UTR variant.
Genome position (GRCh38, 1-based): chr5:148,998,111, A>G on the plus strand (T>C on the coding strand, the complement: SH3TC2 is on the minus strand). VCF-style: chr5-148998111-A-G. GRCh37 (hg19) VCF-style: chr5-148377674-A-G.
Identifiers: ClinVar variation 905267 (VCV000905267.5), dbSNP rs115541211, ClinGen allele CA128990654.